The following is an entry in ClinVar:

NM_001036.6(RYR3):c.10995+5C>T

Gene: RYR3 (ryanodine receptor 3; plus strand). Cytogenetic location: 15q14.
Variant type: single nucleotide variant.
Coding change: c.10995+5C>T on transcript NM_001036.6 (MANE Select); 5 bases into the intron after coding-DNA position 10995, C replaced by T.
Molecular consequence: intron variant.
Genome position (GRCh38, 1-based): chr15:33,821,607, C>T. VCF-style: chr15-33821607-C-T. GRCh37 (hg19) VCF-style: chr15-34113808-C-T.
Other names: c.10980+5C>T (NM_001243996.4).
Identifiers: ClinVar variation 654318 (VCV000654318.10), dbSNP rs374675684, ClinGen allele CA7461066.

ClinVar aggregate classification (germline): Uncertain significance. Review status: criteria provided, multiple submitters, no conflicts (2 of 4 stars). 2 submissions from 2 submitters: Uncertain significance (2). Last evaluated 2024-02-24.

Conditions:
Epileptic encephalopathy. Identifiers: MedGen C0543888, HP:0200134.

Allele frequency attached by ClinVar (database versions not stated): ExAC 0.00016; gnomAD exomes 0.00009 and 0.00005; ESP Exome Variant Server 0.00016; TOPMed 0.00023; 1000 Genomes Project 30x 0.00031; 1000 Genomes Project 0.00040; gnomAD 0.00016.
gnomAD v4.1: 94 of 1,613,640 alleles (0.0058%); highest among the groups gnomAD compares: African/African-American, 0.063%; no homozygotes.

Submissions (2):

Labcorp Genetics (formerly Invitae), Labcorp
Classification: Uncertain significance for Epileptic encephalopathy. Last evaluated: 2024-02-24. Review status: criteria provided, single submitter. Criteria: Invitae Variant Classification Sherloc (09022015). Collection method: clinical testing. Allele origin: germline.
Comment: This sequence change falls in intron 80 of the RYR3 gene. It does not directly change the encoded amino acid sequence of the RYR3 protein. It affects a nucleotide within the consensus splice site. This variant is present in population databases (rs374675684, gnomAD 0.07%), and has an allele count higher than expected for a pathogenic variant. This variant has not been reported in the literature in individuals affected with RYR3-related conditions. ClinVar contains an entry for this variant (Variation ID: 654318). Variants that disrupt the consensus splice site are a relatively common cause of aberrant splicing (PMID: 17576681, 9536098). Algorithms developed to predict the effect of sequence changes on RNA splicing suggest that this variant is not likely to affect RNA splicing. In summary, the available evidence is currently insufficient to determine the role of this variant in disease. Therefore, it has been classified as a Variant of Uncertain Significance.

Breakthrough Genomics
Classification: Uncertain significance. Review status: criteria provided, single submitter. Criteria: ACMG Guidelines, 2015. Collection method: not provided. Allele origin: germline. Inheritance: Unknown mechanism. Affected: yes.

Literature cited by the submitters: PubMed 17576681 (cited by Labcorp Genetics (formerly Invitae), Labcorp); PubMed 9536098 (cited by Labcorp Genetics (formerly Invitae), Labcorp).